The following is an entry in ClinVar:

ClinVar aggregate classification (germline): Likely benign (1 of 4 stars; one submission).

Allele frequency attached by ClinVar (database versions not stated): ExAC 0.00001; gnomAD exomes 0.00001.

Submission:

CeGaT Center for Human Genetics Tuebingen
Classification: Likely benign. Last evaluated: 2025-06-01. Review status: criteria provided, single submitter. Criteria: CeGaT Center For Human Genetics Tuebingen Variant Classification Criteria Version 2. Collection method: clinical testing. Allele origin: germline. Affected: yes. Observed: 2 variant alleles.
Comment: NDUFS8: BP4, BP7

NM_002496.4(NDUFS8):c.429T>C (p.Tyr143=)

Gene: NDUFS8 (NADH:ubiquinone oxidoreductase core subunit S8; plus strand). Cytogenetic location: 11q13.2.
Variant type: single nucleotide variant.
Coding change: c.429T>C on transcript NM_002496.4 (MANE Select); coding-DNA position 429, T replaced by C.
Protein change: p.Tyr143=; no amino-acid change (tyrosine 143 retained).
Molecular consequence: synonymous variant.
Genome position (GRCh38, 1-based): chr11:68,036,309, T>C. VCF-style: chr11-68036309-T-C. GRCh37 (hg19) VCF-style: chr11-67803776-T-C.
Identifiers: ClinVar variation 3250549 (VCV003250549.18), dbSNP rs763314120.